The following is an entry in ClinVar:

ClinVar aggregate classification (germline): Uncertain significance (1 of 4 stars; one submission).

Conditions:
Malignant hyperthermia, susceptibility to, 1 (MHS1). Also called: RYR1-Related Malignant Hyperthermia Susceptibility; Malignant hyperthermia suceptibility 1; Anesthesia related hyperthermia; Malignant hyperpyrexia; Fulminating hyperpyrexia; Pharmacogenic myopathy. Identifiers: Orphanet 423, MedGen C2930980, MONDO:0007783, OMIM 145600.

Submission:

Color Diagnostics, LLC DBA Color Health
Classification: Uncertain significance for Malignant hyperthermia, susceptibility to, 1. Last evaluated: 2025-11-06. Review status: criteria provided, single submitter. Criteria: ACMG Guidelines, 2015. Collection method: clinical testing. Allele origin: germline.
Comment: This variant causes a substitution of three nucleotides in intron 48 of the RYR1 gene (c.7835+5_7835+7delAGTinsGGT). Splice site prediction tools are inconclusive regarding the impact of this variant on RNA splicing. To our knowledge, functional studies have not been reported for this variant. This variant has not been reported in individuals affected with RYR1-related disorders in the literature. This variant has not been identified in the general population by the Genome Aggregation Database (gnomAD). The available evidence is insufficient to determine the role of this variant in disease conclusively. Therefore, this variant is classified as a Variant of Uncertain Significance.

NM_000540.3(RYR1):c.7835+5_7835+7delinsGGT

Gene: RYR1 (ryanodine receptor 1; plus strand). Cytogenetic location: 19q13.2.
Variant type: Indel.
Coding change: c.7835+5_7835+7delinsGGT on transcript NM_000540.3 (MANE Select); bases 5 to 7 of the intron after coding-DNA position 7835, AGC replaced by GGT.
Molecular consequence: intron variant.
Genome position (GRCh38, 1-based): chr19:38,502,732-38,502,734, AGC replaced by GGT. VCF-style: chr19-38502732-AGC-GGT. GRCh37 (hg19) VCF-style: chr19-38993372-AGC-GGT.
Other names: c.7835+5_7835+7delinsGGT (NM_001042723.2).
Identifiers: ClinVar variation 3894524 (VCV003894524.2).